The following is an entry in ClinVar:

ClinVar aggregate classification (germline): Conflicting classifications of pathogenicity. Review status: criteria provided, conflicting classifications (1 of 4 stars). 5 submissions from 5 submitters: Uncertain significance (3); Likely benign (1). 1 of the submissions does not count toward it. Last evaluated 2025-08-18.

Conditions:
RELN-related disorder. Also called: RELN-related condition.
Familial temporal lobe epilepsy 7. Identifiers: Orphanet 101046, MedGen C4225327, MONDO:0014639, OMIM 616436.
Norman-Roberts syndrome (LIS2). Also called: Lissencephaly 2 (Norman-Roberts type). Identifiers: Orphanet 89844, MedGen C0796089, MONDO:0009760, OMIM 257320.

Allele frequency attached by ClinVar (database versions not stated): gnomAD exomes below 0.00001; ExAC 0.00001; gnomAD 0.00001 and 0.00002; TOPMed 0.00002.
gnomAD v4.1: 13 of 1,614,016 alleles (0.00081%); highest among the groups gnomAD compares: Admixed American, 0.005%; no homozygotes.

Submissions (5):

Labcorp Genetics (formerly Invitae), Labcorp
Classification: Uncertain significance for Familial temporal lobe epilepsy 7; Norman-Roberts syndrome. Last evaluated: 2025-08-18. Review status: criteria provided, single submitter. Criteria: Invitae Variant Classification Sherloc (09022015). Collection method: clinical testing. Allele origin: germline.
Comment: This sequence change falls in intron 52 of the RELN gene. It does not directly change the encoded amino acid sequence of the RELN protein. It affects a nucleotide within the consensus splice site. This variant is present in population databases (rs373564931, gnomAD 0.006%). This variant has not been reported in the literature in individuals affected with RELN-related conditions. ClinVar contains an entry for this variant (Variation ID: 475992). Variants that disrupt the consensus splice site are a relatively common cause of aberrant splicing (PMID: 17576681, 9536098). Algorithms developed to predict the effect of sequence changes on RNA splicing suggest that this variant is not likely to affect RNA splicing. In summary, the available evidence is currently insufficient to determine the role of this variant in disease. Therefore, it has been classified as a Variant of Uncertain Significance.

Blueprint Genetics
Classification: Likely benign. Last evaluated: 2024-11-05. Review status: criteria provided, single submitter. Criteria: ACMG Guidelines, 2015. Collection method: clinical testing. Allele origin: germline.

Revvity Omics, Revvity
Classification: Uncertain significance for Norman-Roberts syndrome. Last evaluated: 2021-05-07. Review status: criteria provided, single submitter. Criteria: ACMG Guidelines, 2015. Collection method: clinical testing. Allele origin: germline.

GeneDx
Classification: Uncertain significance. Last evaluated: 2020-01-20. Review status: criteria provided, single submitter. Criteria: GeneDx Variant Classification Process June 2021. Collection method: clinical testing. Allele origin: germline. Affected: yes.
Comment: Not observed at a significant frequency in large population cohorts (Lek et al., 2016); Has not been previously published as pathogenic or benign to our knowledge; In-silico analysis, which includes splice predictors and evolutionary conservation, is inconclusive as to whether the variant alters gene splicing. In the absence of RNA/functional studies, the actual effect of this sequence change is unknown.

PreventionGenetics, part of Exact Sciences
Classification: Likely benign for RELN-related condition. Last evaluated: 2019-06-27. Review status: no assertion criteria provided. Collection method: clinical testing. Allele origin: germline. Not counted in ClinVar's aggregate classification.
Comment: This variant is classified as likely benign based on ACMG/AMP sequence variant interpretation guidelines (Richards et al. 2015 PMID: 25741868, with internal and published modifications).

Literature cited by the submitters: PubMed 17576681 (cited by Labcorp Genetics (formerly Invitae), Labcorp); PubMed 9536098 (cited by Labcorp Genetics (formerly Invitae), Labcorp).

NM_005045.4(RELN):c.8490-3T>C

Genes: SLC26A5-AS1 (SLC26A5 antisense RNA 1; plus strand), RELN (reelin; minus strand). Cytogenetic location: 7q22.1.
Variant type: single nucleotide variant.
Coding change: c.8490-3T>C on transcript NM_005045.4 (MANE Select); 3 bases into the intron before coding-DNA position 8490, T replaced by C.
Molecular consequence: intron variant.
Genome position (GRCh38, 1-based): chr7:103,500,925, A>G on the plus strand (T>C on the coding strand, the complement: RELN is on the minus strand). VCF-style: chr7-103500925-A-G. GRCh37 (hg19) VCF-style: chr7-103141372-A-G.
Other names: c.8490-3T>C (NM_173054.3).
Identifiers: ClinVar variation 475992 (VCV000475992.18), dbSNP rs373564931, ClinGen allele CA4420463.